The following is an entry in ClinVar:

NM_003002.4(SDHD):c.247G>A (p.Ala83Thr)

Gene: SDHD (succinate dehydrogenase complex subunit D; plus strand). Cytogenetic location: 11q23.1.
Variant type: single nucleotide variant.
Coding change: c.247G>A on transcript NM_003002.4 (MANE Select); coding-DNA position 247, G replaced by A.
Protein change: p.Ala83Thr; replaces alanine 83 with threonine.
Molecular consequence: missense variant. On other transcripts: non-coding transcript variant (1), intron variant (1).
Genome position (GRCh38, 1-based): chr11:112,088,944, G>A. VCF-style: chr11-112088944-G-A. GRCh37 (hg19) VCF-style: chr11-111959668-G-A.
Other names: c.130G>A, p.Ala44Thr (NM_001276504.2); c.247G>A, p.Ala83Thr (NM_001276506.2); c.169+971G>A (NM_001276503.2); short protein forms A44T, A83T.
Identifiers: ClinVar variation 2131604 (VCV002131604.4), dbSNP rs202239399, ClinGen allele CA382617303.

ClinVar aggregate classification (germline): Uncertain significance (1 of 4 stars; one submission).

Conditions:
Pheochromocytoma. Also called: MAX-Related Hereditary Paraganglioma-Pheochromocytoma Syndrome. Identifiers: Orphanet 29072, MedGen C0031511, MONDO:0008233, OMIM 171300, HP:0002666.
Carney-Stratakis syndrome. Also called: PARAGANGLIOMA AND GASTROINTESTINAL STROMAL TUMOR. Identifiers: Orphanet 97286, MedGen C1847319, MONDO:0011740, OMIM 606864.
Paragangliomas with sensorineural hearing loss. Identifiers: MedGen C1868633.
Cowden syndrome 3 (CWS3). Identifiers: Orphanet 201, MedGen CN166604, MONDO:0014045.

Submission:

Labcorp Genetics (formerly Invitae), Labcorp
Classification: Uncertain significance for Carney-Stratakis syndrome; Paragangliomas with sensorineural hearing loss; Pheochromocytoma; Cowden syndrome 3. Last evaluated: 2022-07-13. Review status: criteria provided, single submitter. Criteria: Invitae Variant Classification Sherloc (09022015). Collection method: clinical testing. Allele origin: germline.
Comment: In summary, the available evidence is currently insufficient to determine the role of this variant in disease. Therefore, it has been classified as a Variant of Uncertain Significance. Advanced modeling of protein sequence and biophysical properties (such as structural, functional, and spatial information, amino acid conservation, physicochemical variation, residue mobility, and thermodynamic stability) performed at Invitae indicates that this missense variant is expected to disrupt SDHD protein function. This variant has not been reported in the literature in individuals affected with SDHD-related conditions. This variant is not present in population databases (gnomAD no frequency). This sequence change replaces alanine, which is neutral and non-polar, with threonine, which is neutral and polar, at codon 83 of the SDHD protein (p.Ala83Thr).